The following is an entry in ClinVar:

NM_015261.3(NCAPD3):c.1981G>T (p.Asp661Tyr)

Gene: NCAPD3 (non-SMC condensin II complex subunit D3; minus strand). Cytogenetic location: 11q25.
Variant type: single nucleotide variant.
Coding change: c.1981G>T on transcript NM_015261.3 (MANE Select); coding-DNA position 1981, G replaced by T.
Protein change: p.Asp661Tyr; replaces aspartic acid 661 with tyrosine.
Molecular consequence: missense variant.
Genome position (GRCh38, 1-based): chr11:134,192,753, C>A on the plus strand (G>T on the coding strand, the complement: NCAPD3 is on the minus strand). VCF-style: chr11-134192753-C-A. GRCh37 (hg19) VCF-style: chr11-134062648-C-A.
Other names: NC_000011.9:g.134062648C>A; c.1981G>T, p.Asp661Tyr (NM_001372065.1, NM_001372068.1); c.1567G>T, p.Asp523Tyr (NM_001372069.1, NM_001372070.1); c.1981G>T (NM_015261.2); short protein forms D661Y, D523Y.
Identifiers: ClinVar variation 546692 (VCV000546692.45), dbSNP rs151013524, ClinGen allele CA6371458.

ClinVar aggregate classification (germline): Uncertain significance. Review status: criteria provided, single submitter (1 of 4 stars). 2 submissions from 2 submitters: Uncertain significance (1). 1 of the submissions does not count toward it. Last evaluated 2018-03-01.

Conditions:
NCAPD3-related disorder. Also called: NCAPD3-related condition.

Allele frequency attached by ClinVar (database versions not stated): ESP Exome Variant Server 0.00146; 1000 Genomes Project 30x 0.00172; ExAC 0.00178; gnomAD exomes 0.00196 and 0.00205; 1000 Genomes Project 0.00200; gnomAD 0.00214 and 0.00235; TOPMed 0.00257.
gnomAD v4.1: 3,367 of 1,614,230 alleles (0.21%); highest among the groups gnomAD compares: Admixed American, 0.38%; 6 homozygotes.

Submissions (7):

CeGaT Center for Human Genetics Tuebingen
Classification: Uncertain significance. Last evaluated: 2018-03-01. Review status: criteria provided, single submitter. Criteria: CeGaT Center For Human Genetics Tuebingen Variant Classification Criteria Version 2. Collection method: clinical testing. Allele origin: germline. Affected: yes. Observed: 1 variant allele.

PreventionGenetics, part of Exact Sciences
Classification: Likely benign for NCAPD3-related condition. Last evaluated: 2019-02-21. Review status: no assertion criteria provided. Collection method: clinical testing. Allele origin: germline. Not counted in ClinVar's aggregate classification.
Comment: This variant is classified as likely benign based on ACMG/AMP sequence variant interpretation guidelines (Richards et al. 2015 PMID: 25741868, with internal and published modifications).

Dr. Peter K. Rogan Lab, Western University
No classification provided (evidence only). Condition: Familial cancer of breast. Review status: no classification provided. Collection method: in vitro. Allele origin: not applicable. Functional consequence: retained intron. Not counted in ClinVar's aggregate classification.

Dr. Peter K. Rogan Lab, Western University
No classification provided (evidence only). Condition: Cervical cancer. Review status: no classification provided. Collection method: in vitro. Allele origin: not applicable. Functional consequence: retained intron. Not counted in ClinVar's aggregate classification.

Dr. Peter K. Rogan Lab, Western University
No classification provided (evidence only). Condition: Ovarian serous cystadenocarcinoma. Review status: no classification provided. Collection method: in vitro. Allele origin: not applicable. Functional consequence: retained intron. Not counted in ClinVar's aggregate classification.

Dr. Peter K. Rogan Lab, Western University
No classification provided (evidence only). Condition: Ovarian serous cystadenocarcinoma. Review status: no classification provided. Collection method: in vitro. Allele origin: not applicable. Functional consequence: retained intron. Not counted in ClinVar's aggregate classification.

Dr. Peter K. Rogan Lab, Western University
No classification provided (evidence only). Condition: Gastric cancer. Review status: no classification provided. Collection method: in vitro. Allele origin: not applicable. Functional consequence: retained intron. Not counted in ClinVar's aggregate classification.